The following is an entry in ClinVar:

NM_000179.3(MSH6):c.1035T>A (p.Asn345Lys)

Gene: MSH6 (mutS homolog 6; plus strand). Cytogenetic location: 2p16.3.
Variant type: single nucleotide variant.
Coding change: c.1035T>A on transcript NM_000179.3 (MANE Select); coding-DNA position 1035, T replaced by A.
Protein change: p.Asn345Lys; replaces asparagine 345 with lysine.
Molecular consequence: missense variant.
Genome position (GRCh38, 1-based): chr2:47,799,018, T>A. VCF-style: chr2-47799018-T-A. GRCh37 (hg19) VCF-style: chr2-48026157-T-A.
Other names: c.645T>A, p.Asn215Lys (NM_001281492.2); c.129T>A, p.Asn43Lys (NM_001281493.2, NM_001281494.2); short protein forms N345K, N215K, N43K.
Identifiers: ClinVar variation 234033 (VCV000234033.22), dbSNP rs765166082, ClinGen allele CA067060.
Genomic context (GRCh38, chr2:47,799,018, plus strand): 5'-AGCAACTAGCATTTCATCAGAAACCAAGAATACTTTGAGAGCTTTCTCTGCCCCTCAAAA[T>A]TCTGAATCCCAAGCCCACGTTAGTGGAGGTGGTGATGACAGTAGTCGCCCTACTGTTTGG-3'
Protein context (NP_000170.1, residues 335-355): NTLRAFSAPQ[Asn345Lys]SESQAHVSGG

ClinVar aggregate classification (germline): Conflicting classifications of pathogenicity. Review status: criteria provided, conflicting classifications (1 of 4 stars). 5 submissions from 5 submitters: Uncertain significance (3); Benign (1); Likely benign (1). Last evaluated 2025-10-29.

Conditions:
Endometrial carcinoma. Also called: Endometrial carcinoma, somatic. Identifiers: MedGen C0476089, MONDO:0002447, OMIM 608089, HP:0012114.
Hereditary nonpolyposis colorectal neoplasms. Identifiers: MedGen C0009405, MeSH D003123.
Hereditary cancer-predisposing syndrome. Also called: Neoplastic Syndromes, Hereditary; Tumor predisposition; Hereditary Cancer Syndrome; Hereditary neoplastic syndrome. Identifiers: Orphanet 140162, MedGen C0027672, MeSH D009386, MONDO:0015356.
Lynch syndrome. Identifiers: Orphanet 144, MedGen C4552100, MONDO:0005835. Disease mechanism: loss of function.

Allele frequency attached by ClinVar (database versions not stated): ExAC 0.00002; TOPMed 0.00002.
gnomAD v4.1: 7 of 1,614,110 alleles (0.00043%); highest among the groups gnomAD compares: African/African-American, 0.0093%; no homozygotes.

Submissions (5):

Labcorp Genetics (formerly Invitae), Labcorp
Classification: Benign for Hereditary nonpolyposis colorectal neoplasms. Last evaluated: 2025-10-29. Review status: criteria provided, single submitter. Criteria: Invitae Variant Classification Sherloc (09022015). Collection method: clinical testing. Allele origin: germline.

Color Diagnostics, LLC DBA Color Health
Classification: Likely benign for Hereditary cancer-predisposing syndrome. Last evaluated: 2025-01-22. Review status: criteria provided, single submitter. Criteria: ACMG Guidelines, 2015. Collection method: clinical testing. Allele origin: germline.

All of Us Research Program, National Institutes of Health
Classification: Uncertain significance for Lynch syndrome. Last evaluated: 2024-08-30. Review status: criteria provided, single submitter. Criteria: ACMG Guidelines, 2015. Collection method: clinical testing. Allele origin: germline. Inheritance: Autosomal dominant inheritance. Observed: 4 variant alleles, 4 heterozygotes.
Comment: This missense variant replaces asparagine with lysine at codon 345 of the MSH6 protein. Computational prediction suggests that this variant may not impact protein structure and function (internally defined REVEL score threshold <= 0.5, PMID: 27666373). To our knowledge, functional studies have not been reported for this variant. This variant has not been reported in individuals affected with MSH6-related disorders in the literature. This variant has been identified in 5/282712 chromosomes in the general population by the Genome Aggregation Database (gnomAD). The available evidence is insufficient to determine the role of this variant in disease conclusively. Therefore, this variant is classified as a Variant of Uncertain Significance.

This study involves interpretation of variants in research participants for the purpose of population health screening. Participant phenotype was not available at the time of variant classification. Additional details can be found in publication PMID: 35346344, PMCID: PMC8962531

Ambry Genetics
Classification: Uncertain significance for Hereditary cancer-predisposing syndrome. Last evaluated: 2024-02-25. Review status: criteria provided, single submitter. Criteria: Ambry Variant Classification Scheme 2023. Collection method: clinical testing. Allele origin: germline.
Comment: The p.N345K variant (also known as c.1035T>A), located in coding exon 4 of the MSH6 gene, results from a T to A substitution at nucleotide position 1035. The asparagine at codon 345 is replaced by lysine, an amino acid with similar properties. This amino acid position is not well conserved in available vertebrate species. In addition, this alteration is predicted to be tolerated by in silico analysis. Since supporting evidence is limited at this time, the clinical significance of this alteration remains unclear.

Baylor Genetics
Classification: Uncertain significance for Endometrial carcinoma. Last evaluated: 2024-01-05. Review status: criteria provided, single submitter. Criteria: ACMG Guidelines, 2015. Collection method: clinical testing. Allele origin: unknown.